The following is an entry in ClinVar:

NM_001142800.2(EYS):c.5479C>G (p.Leu1827Val)

Gene: EYS (eyes shut homolog; minus strand). Cytogenetic location: 6q12.
Variant type: single nucleotide variant.
Coding change: c.5479C>G on transcript NM_001142800.2 (MANE Select); coding-DNA position 5479, C replaced by G.
Protein change: p.Leu1827Val; replaces leucine 1827 with valine.
Molecular consequence: missense variant.
Genome position (GRCh38, 1-based): chr6:64,590,388, G>C on the plus strand (C>G on the coding strand, the complement: EYS is on the minus strand). VCF-style: chr6-64590388-G-C. GRCh37 (hg19) VCF-style: chr6-65300281-G-C.
Other names: c.5479C>G, p.Leu1827Val (NM_001292009.2); short protein forms L1827V.
Identifiers: ClinVar variation 963457 (VCV000963457.5), dbSNP rs746509889, ClinGen allele CA364781021.
Genomic context (GRCh38, chr6:64,590,388, plus strand): 5'-GCACACTAGGCTGAAGTTCCCATTTGGACCATTCTGAAGAAGTCTTGACCTCTTTTTTAA[G>C]AGAGGTCATATAATCTGTAAAATATGGCCAATCTGGCCTAATTACAGACATGGAGGAAGA-3'
Protein context (NP_001136272.1, residues 1817-1837): WPYFTDYMTS[Leu1827Val]KKEVKTSSEW

ClinVar aggregate classification (germline): Uncertain significance. Review status: criteria provided, single submitter (1 of 4 stars). 2 submissions from 2 submitters: Uncertain significance (1). 1 of the submissions does not count toward it. Last evaluated 2021-09-01.

Conditions:
Retinitis pigmentosa 25 (RP25). Identifiers: Orphanet 791, MedGen C1864446, MONDO:0011272, OMIM 602772.

Allele frequency attached by ClinVar (database versions not stated): gnomAD 0.00001.
gnomAD v4.1: 23 of 1,551,146 alleles (0.0015%); highest among the groups gnomAD compares: East Asian, 0.054%; no homozygotes.

Submissions (2):

Labcorp Genetics (formerly Invitae), Labcorp
Classification: Uncertain significance. Last evaluated: 2021-09-01. Review status: criteria provided, single submitter. Criteria: Invitae Variant Classification Sherloc (09022015). Collection method: clinical testing. Allele origin: germline.
Comment: This sequence change replaces leucine with valine at codon 1827 of the EYS protein (p.Leu1827Val). The leucine residue is moderately conserved and there is a small physicochemical difference between leucine and valine. This variant is not present in population databases (ExAC no frequency). This variant has not been reported in the literature in individuals affected with EYS-related conditions. Algorithms developed to predict the effect of missense changes on protein structure and function are either unavailable or do not agree on the potential impact of this missense change (SIFT: "Deleterious"; PolyPhen-2: "Benign"; Align-GVGD: "Class C0"). In summary, the available evidence is currently insufficient to determine the role of this variant in disease. Therefore, it has been classified as a Variant of Uncertain Significance.

Natera, Inc.
Classification: Uncertain significance for Retinitis pigmentosa type 25. Last evaluated: 2020-11-25. Review status: no assertion criteria provided. Collection method: clinical testing. Allele origin: germline. Not counted in ClinVar's aggregate classification.